The following is an entry in ClinVar:

NM_014795.4(ZEB2):c.2615C>T (p.Ser872Leu)

Gene: ZEB2 (zinc finger E-box binding homeobox 2; minus strand). Cytogenetic location: 2q22.3.
Variant type: single nucleotide variant.
Coding change: c.2615C>T on transcript NM_014795.4 (MANE Select); coding-DNA position 2615, C replaced by T.
Protein change: p.Ser872Leu; replaces serine 872 with leucine.
Molecular consequence: missense variant.
Genome position (GRCh38, 1-based): chr2:144,398,572, G>A on the plus strand (C>T on the coding strand, the complement: ZEB2 is on the minus strand). VCF-style: chr2-144398572-G-A. GRCh37 (hg19) VCF-style: chr2-145156139-G-A.
Other names: c.2615C>T (NM_014795.3); c.2543C>T, p.Ser848Leu (NM_001171653.2); short protein forms S848L, S872L.
Identifiers: ClinVar variation 2914928 (VCV002914928.4), dbSNP rs1482981133, ClinGen allele CA348707748.

ClinVar aggregate classification (germline): Conflicting classifications of pathogenicity. Review status: criteria provided, conflicting classifications (1 of 4 stars). 2 submissions from 2 submitters: Uncertain significance (1); Benign (1). Last evaluated 2026-07-20.

Conditions:
Mowat-Wilson syndrome (MOWS). Also called: Classic Mowat-Wilson Syndrome. Identifiers: Orphanet 2152, MedGen C1856113, MONDO:0009341, OMIM 235730.
Inborn genetic diseases. Identifiers: MedGen C0950123, MeSH D030342.

Allele frequency attached by ClinVar (database versions not stated): gnomAD 0.00001; TOPMed 0.00002; gnomAD exomes below 0.00001.
gnomAD v4.1: 3 of 1,614,024 alleles (0.00019%); highest among the groups gnomAD compares: African/African-American, 0.004%; no homozygotes.

Submissions (2):

Ambry Genetics
Classification: Uncertain significance for Inborn genetic diseases. Last evaluated: 2026-07-20. Review status: criteria provided, single submitter. Criteria: Ambry Variant Classification Scheme 2023. Collection method: clinical testing. Allele origin: germline.
Comment: The c.2615C>T (p.S872L) alteration is located in exon 8 (coding exon 7) of the ZEB2 gene. This alteration results from a C to T substitution at nucleotide position 2615, causing the serine (S) at amino acid position 872 to be replaced by a leucine (L). Based on data from gnomAD, the T allele has an overall frequency of <0.001% (1/282774) total alleles studied. The highest observed frequency was 0.004% (1/24970) of African alleles. Based on insufficient or conflicting evidence, the clinical significance of this alteration remains unclear.

Labcorp Genetics (formerly Invitae), Labcorp
Classification: Benign for Mowat-Wilson syndrome. Last evaluated: 2025-08-11. Review status: criteria provided, single submitter. Criteria: Invitae Variant Classification Sherloc (09022015). Collection method: clinical testing. Allele origin: germline.